The following is an entry in ClinVar:

ClinVar aggregate classification (germline): Uncertain significance (1 of 4 stars; one submission).

Submission:

Labcorp Genetics (formerly Invitae), Labcorp
Classification: Uncertain significance. Last evaluated: 2022-04-01. Review status: criteria provided, single submitter. Criteria: Invitae Variant Classification Sherloc (09022015). Collection method: clinical testing. Allele origin: germline.
Comment: In summary, the available evidence is currently insufficient to determine the role of this variant in disease. Therefore, it has been classified as a Variant of Uncertain Significance. Algorithms developed to predict the effect of missense changes on protein structure and function are either unavailable or do not agree on the potential impact of this missense change (SIFT: "Not Available"; PolyPhen-2: "Benign"; Align-GVGD: "Not Available"). This variant has not been reported in the literature in individuals affected with LCT-related conditions. This variant is not present in population databases (gnomAD no frequency). This sequence change replaces isoleucine, which is neutral and non-polar, with leucine, which is neutral and non-polar, at codon 786 of the LCT protein (p.Ile786Leu).

NM_002299.4(LCT):c.2356A>C (p.Ile786Leu)

Gene: LCT (lactase; minus strand). Cytogenetic location: 2q21.3.
Variant type: single nucleotide variant.
Coding change: c.2356A>C on transcript NM_002299.4 (MANE Select); coding-DNA position 2356, A replaced by C.
Protein change: p.Ile786Leu; replaces isoleucine 786 with leucine.
Molecular consequence: missense variant.
Genome position (GRCh38, 1-based): chr2:135,809,991, T>G on the plus strand (A>C on the coding strand, the complement: LCT is on the minus strand). VCF-style: chr2-135809991-T-G. GRCh37 (hg19) VCF-style: chr2-136567561-T-G.
Other names: short protein forms I786L.
Identifiers: ClinVar variation 2158557 (VCV002158557.4), dbSNP rs2077721449, ClinGen allele CA348603273.